The following is an entry in ClinVar:

NM_001164508.2(NEB):c.4415A>G (p.Tyr1472Cys)

Gene: NEB (nebulin; minus strand). Cytogenetic location: 2q23.3.
Variant type: single nucleotide variant.
Coding change: c.4415A>G on transcript NM_001164508.2 (MANE Select); coding-DNA position 4415, A replaced by G.
Protein change: p.Tyr1472Cys; replaces tyrosine 1472 with cysteine.
Molecular consequence: missense variant.
Genome position (GRCh38, 1-based): chr2:151,671,114, T>C on the plus strand (A>G on the coding strand, the complement: NEB is on the minus strand). VCF-style: chr2-151671114-T-C. GRCh37 (hg19) VCF-style: chr2-152527628-T-C.
Other names: c.4415A>G, p.Tyr1472Cys (NM_001164507.2, NM_001271208.2, NM_004543.5); short protein forms Y1472C.
Identifiers: ClinVar variation 2169190 (VCV002169190.7), dbSNP rs2552260106, ClinGen allele CA348815702.
Genomic context (GRCh38, chr2:151,671,114, plus strand): 5'-AACACCATGCCCATGGAATCAGGCACACTTGTGAACTTGACGGTATCTGGGTGCTGTCGA[T>C]ACTTCCTCTCATTTAATGCATCGCCTGCTTTCTTGACCTTCTCCACCTCCAGGGAACCAA-3'
Protein context (NP_001157980.2, residues 1462-1482): KAGDALNERK[Tyr1472Cys]RQHPDTVKFT

ClinVar aggregate classification (germline): Uncertain significance. Review status: criteria provided, multiple submitters, no conflicts (2 of 4 stars). 2 submissions from 2 submitters: Uncertain significance (2). Last evaluated 2025-07-28.

Conditions:
Nemaline myopathy 2 (NEM2). Also called: Nemaline myopathy 2, autosomal recessive. Identifiers: MedGen C1850569, MONDO:0009725, OMIM 256030.

Submissions (2):

Labcorp Genetics (formerly Invitae), Labcorp
Classification: Uncertain significance for Nemaline myopathy 2. Last evaluated: 2025-07-28. Review status: criteria provided, single submitter. Criteria: Invitae Variant Classification Sherloc (09022015). Collection method: clinical testing. Allele origin: germline.
Comment: This sequence change replaces tyrosine, which is neutral and polar, with cysteine, which is neutral and slightly polar, at codon 1472 of the NEB protein (p.Tyr1472Cys). This variant is not present in population databases (gnomAD no frequency). This variant has not been reported in the literature in individuals affected with NEB-related conditions. ClinVar contains an entry for this variant (Variation ID: 2169190). Experimental studies and prediction algorithms are not available or were not evaluated, and the functional significance of this variant is currently unknown. In summary, the available evidence is currently insufficient to determine the role of this variant in disease. Therefore, it has been classified as a Variant of Uncertain Significance.

Revvity Omics, Revvity
Classification: Uncertain significance. Last evaluated: 2021-05-13. Review status: criteria provided, single submitter. Criteria: ACMG Guidelines, 2015. Collection method: clinical testing. Allele origin: germline.